The following is an entry in ClinVar:

NM_015154.3(MESD):c.55_56delinsGG (p.Leu19Gly)

Genes: MESD (mesoderm development LRP chaperone; minus strand), LOC121530597 (Sharpr-MPRA regulatory region 7880; plus strand). Cytogenetic location: 15q25.1.
Variant type: Indel.
Coding change: c.55_56delinsGG on transcript NM_015154.3 (MANE Select); coding-DNA positions 55 to 56, CT replaced by GG.
Protein change: p.Leu19Gly; replaces leucine 19 with glycine.
Molecular consequence: missense variant. On other transcripts: non-coding transcript variant (2).
Genome position (GRCh38, 1-based): chr15:80,989,736-80,989,737, AG replaced by CC on the plus strand (CT replaced by GG on the coding strand, the reverse complement: MESD is on the minus strand). VCF-style: chr15-80989736-AG-CC. GRCh37 (hg19) VCF-style: chr15-81282077-AG-CC.
Other names: short protein forms L19G.
Identifiers: ClinVar variation 2190452 (VCV002190452.3), dbSNP rs2542689752, ClinGen allele CA2580090070.
Genomic context (GRCh38, chr15:80,989,736, plus strand): 5'-CCGGGCGAGCCTTCGGCCGCGCAGGACCCAGGCGGTGGTAGCAGTAGCAGCAGCAGCAGC[AG>CC]GTCAGAGGCACAAAGCAGGACCACGGCCTTGCGCGCCCACCTGGAAGCCGCCATTTTCGC-3'
Protein context (NP_055969.1, residues 9-29): KAVVLLCASD[Leu19Gly]LLLLLLLPPP

ClinVar aggregate classification (germline): Uncertain significance (1 of 4 stars; one submission).

Submission:

Labcorp Genetics (formerly Invitae), Labcorp
Classification: Uncertain significance. Last evaluated: 2025-02-06. Review status: criteria provided, single submitter. Criteria: Invitae Variant Classification Sherloc (09022015). Collection method: clinical testing. Allele origin: germline.
Comment: This sequence change replaces leucine, which is neutral and non-polar, with glycine, which is neutral and non-polar, at codon 19 of the MESDC2 protein (p.Leu19Gly). This variant is present in population databases (no rsID available, gnomAD 0.03%), including at least one homozygous and/or hemizygous individual. This variant has not been reported in the literature in individuals affected with MESDC2-related conditions. ClinVar contains an entry for this variant (Variation ID: 2190452). An algorithm developed to predict the effect of missense changes on protein structure and function (PolyPhen-2) suggests that this variant is likely to be disruptive. In summary, the available evidence is currently insufficient to determine the role of this variant in disease. Therefore, it has been classified as a Variant of Uncertain Significance.